The following is an entry in ClinVar:

ClinVar aggregate classification (germline): Uncertain significance. Review status: criteria provided, multiple submitters, no conflicts (2 of 4 stars). 3 submissions from 3 submitters: Uncertain significance (2). 1 of the submissions does not count toward it. Last evaluated 2025-02-18.

Conditions:
Inborn genetic diseases. Identifiers: MedGen C0950123, MeSH D030342.
Ellis-van Creveld syndrome (EVC). Also called: MESOECTODERMAL DYSPLASIA; EVC-Related Ellis-van Creveld Syndrome; EVC2-Related Ellis-van Creveld Syndrome; Chondroectodermal dysplasia. Identifiers: Orphanet 289, MedGen C0013903, MONDO:0009162, OMIM 225500.
Curry-Hall syndrome (WAD). Also called: WEYERS ACRODENTAL DYSOSTOSIS. Identifiers: Orphanet 952, MedGen C0457013, MONDO:0008673, OMIM 193530.
EVC2-related disorder. Also called: EVC2-related condition.

Submissions (3):

Ambry Genetics
Classification: Uncertain significance for Inborn genetic diseases. Last evaluated: 2025-02-18. Review status: criteria provided, single submitter. Criteria: Ambry Variant Classification Scheme 2023. Collection method: clinical testing. Allele origin: germline.

Labcorp Genetics (formerly Invitae), Labcorp
Classification: Uncertain significance for Curry-Hall syndrome; Ellis-van Creveld syndrome. Last evaluated: 2024-12-24. Review status: criteria provided, single submitter. Criteria: Invitae Variant Classification Sherloc (09022015). Collection method: clinical testing. Allele origin: germline.
Comment: This sequence change replaces leucine, which is neutral and non-polar, with serine, which is neutral and polar, at codon 554 of the EVC2 protein (p.Leu554Ser). This variant is present in population databases (rs760736393, gnomAD 0.007%). This variant has not been reported in the literature in individuals affected with EVC2-related conditions. An algorithm developed to predict the effect of missense changes on protein structure and function (PolyPhen-2) suggests that this variant is likely to be disruptive. In summary, the available evidence is currently insufficient to determine the role of this variant in disease. Therefore, it has been classified as a Variant of Uncertain Significance.

PreventionGenetics, part of Exact Sciences
Classification: Uncertain significance for EVC2-related condition. Last evaluated: 2024-08-27. Review status: no assertion criteria provided. Collection method: clinical testing. Allele origin: germline. Not counted in ClinVar's aggregate classification.
Comment: The EVC2 c.1661T>C variant is predicted to result in the amino acid substitution p.Leu554Ser. To our knowledge, this variant has not been reported in the literature. This variant is reported in 0.0062% of alleles in individuals of African descent in gnomAD. At this time, the clinical significance of this variant is uncertain due to the absence of conclusive functional and genetic evidence.

NM_147127.5(EVC2):c.1661T>C (p.Leu554Ser)

Gene: EVC2 (EvC ciliary complex subunit 2; minus strand). Cytogenetic location: 4p16.2.
Variant type: single nucleotide variant.
Coding change: c.1661T>C on transcript NM_147127.5 (MANE Select); coding-DNA position 1661, T replaced by C.
Protein change: p.Leu554Ser; replaces leucine 554 with serine.
Molecular consequence: missense variant.
Genome position (GRCh38, 1-based): chr4:5,631,842, A>G on the plus strand (T>C on the coding strand, the complement: EVC2 is on the minus strand). VCF-style: chr4-5631842-A-G. GRCh37 (hg19) VCF-style: chr4-5633569-A-G.
Other names: c.1421T>C, p.Leu474Ser (NM_001166136.2); short protein forms L474S, L554S.
Identifiers: ClinVar variation 3355152 (VCV003355152.4).